The following is an entry in ClinVar:

ClinVar aggregate classification (germline): Pathogenic (1 of 4 stars; one submission).

Submission:

Illumina Laboratory Services, Illumina
Classification: Pathogenic. Last evaluated: 2023-04-25. Review status: criteria provided, single submitter. Criteria: ICSL CNVClassificationCriteria Aug2020. Collection method: clinical testing. Allele origin: unknown.
Comment: This CNV is a 10.4 Mb deletion of 15q15.1-q21.2, on chromosome 15, (seq[GRCh37]del(15)(q15.1q21.2);NC_000015.9:g.41321409_51718601del) that occurred de novo. This CNV encompasses 106 protein coding genes, including the FBN1 gene. Whole gene deletions of FBN1 are known to cause Marfan syndrome, which is a connective tissue disorder primarily characterized by ocular, skeletal and cardiovascular system involvement (PMID: 21063442; GeneReviews NBK1335; PMID: 34475413). Several de novo deletions overlapping 15q15.1-q21.2 regions have been reported in affected individuals (PMID: 19344873). This CNV has not been reported in controls (PMID: 24174537). Based on the available evidence, this CNV is classified as pathogenic.

Single allele

Genes: AFG2B (AFG2 AAA ATPase homolog B; plus strand), AP4E1 (adaptor related protein complex 4 subunit epsilon 1; plus strand), ATP8B4 (ATPase phospholipid transporting 8B4 (putative); minus strand), B2M (beta-2-microglobulin; plus strand), BLOC1S6 (biogenesis of lysosomal organelles complex 1 subunit 6; plus strand) and 100 more. Cytogenetic location: 15q15.1-21.2.
Variant type: Deletion.
Identifiers: ClinVar variation 2671612 (VCV002671612.1).